The following is an entry in ClinVar:

ClinVar aggregate classification (germline): Conflicting classifications of pathogenicity. Review status: criteria provided, conflicting classifications (1 of 4 stars). 8 submissions from 8 submitters: Uncertain significance (6); Likely benign (1). 1 of the submissions does not count toward it. Last evaluated 2026-01-12.

Conditions:
Hereditary cancer-predisposing syndrome. Also called: Tumor predisposition; Neoplastic Syndromes, Hereditary; Hereditary Cancer Syndrome; Hereditary neoplastic syndrome. Identifiers: Orphanet 140162, MedGen C0027672, MeSH D009386, MONDO:0015356.
Hereditary breast ovarian cancer syndrome. Also called: Hereditary breast and ovarian cancer syndrome (HBOC); Hereditary breast and ovarian cancer syndrome; Hereditary breast and ovarian cancer; Hereditary breast and/or ovarian cancer syndrome; Breast and ovarian cancer; BRCA1- and BRCA2-Associated Hereditary Breast and Ovarian Cancer. Identifiers: Orphanet 145, MedGen C0677776, MeSH D061325, MONDO:0003582. Disease mechanism: loss of function.
Breast-ovarian cancer, familial, susceptibility to, 1 (BROVCA1). Also called: OVARIAN CANCER, SUSCEPTIBILITY TO; BRCA1 Hereditary Breast and Ovarian Cancer. Identifiers: Orphanet 145, MedGen C2676676, MONDO:0011450, OMIM 604370. Disease mechanism: loss of function.

Allele frequency attached by ClinVar (database versions not stated): ExAC 0.00001; gnomAD exomes 0.00002.
gnomAD v4.1: 13 of 1,613,726 alleles (0.00081%); highest among the groups gnomAD compares: Non-Finnish European, 0.00017%; no homozygotes.

Submissions (8):

Labcorp Genetics (formerly Invitae), Labcorp
Classification: Uncertain significance for Hereditary breast ovarian cancer syndrome. Last evaluated: 2026-01-12. Review status: criteria provided, single submitter. Criteria: Invitae Variant Classification Sherloc (09022015). Collection method: clinical testing. Allele origin: germline.
Comment: This sequence change replaces glutamic acid, which is acidic and polar, with aspartic acid, which is acidic and polar, at codon 143 of the BRCA1 protein (p.Glu143Asp). This variant is present in population databases (rs397507228, gnomAD 0.01%). This missense change has been observed in individual(s) with breast cancer (PMID: 32772980). ClinVar contains an entry for this variant (Variation ID: 37582). Invitae Evidence Modeling of protein sequence and biophysical properties (such as structural, functional, and spatial information, amino acid conservation, physicochemical variation, residue mobility, and thermodynamic stability) has been performed for this missense variant. However, the output from this modeling did not meet the statistical confidence thresholds required to predict the impact of this variant on BRCA1 protein function. Experimental studies have shown that this missense change does not substantially affect BRCA1 function (PMID: 32546644). In summary, the available evidence is currently insufficient to determine the role of this variant in disease. Therefore, it has been classified as a Variant of Uncertain Significance.

Color Diagnostics, LLC DBA Color Health
Classification: Uncertain significance for Hereditary cancer-predisposing syndrome. Last evaluated: 2025-06-17. Review status: criteria provided, single submitter. Criteria: ACMG Guidelines, 2015. Collection method: clinical testing. Allele origin: germline.
Comment: This missense variant replaces glutamic acid with aspartic acid at codon 143 of the BRCA1 protein. Computational prediction is inconclusive regarding the impact of this variant on protein structure and function. To our knowledge, functional studies have not been reported for this variant. This variant has been reported in an individual affected with breast cancer (PMID: 32772980) and in a breast cancer case-control meta-analysis in 2/60466 cases and 0/53461 unaffected individuals (PMID: 33471991Leiden Open Variation Database DB-ID BRCA1_001290). A multifactorial analysis has reported likelihood ratio for pathogenicity based on tumor pathology of 1.36 (PMID: 31131967). This variant has been identified in 5/251074 chromosomes in the general population by the Genome Aggregation Database (gnomAD). The available evidence is insufficient to determine the role of this variant in disease conclusively. Therefore, this variant is classified as a Variant of Uncertain Significance.

Women's Health and Genetics/Laboratory Corporation of America, LabCorp
Classification: Likely benign. Last evaluated: 2025-01-15. Review status: criteria provided, single submitter. Criteria: LabCorp Variant Classification Summary - May 2015. Collection method: clinical testing. Allele origin: germline.
Comment: Variant summary: BRCA1 c.429A>C (p.Glu143Asp) results in a conservative amino acid change in the encoded protein sequence. Five of five in-silico tools predict a benign effect of the variant on protein function. The variant allele was found at a frequency of 2e-05 in 251074 control chromosomes. The available data on variant occurrences in the general population are insufficient to allow any conclusion about variant significance. c.429A>C has been reported in the literature in an individual affected with breast cancer, without strong evidence for causality (e.g. Nguyen-Dumont_2020). This report does not provide unequivocal conclusions about association of the variant with Hereditary Breast And Ovarian Cancer Syndrome. At least one publication reports experimental evidence evaluating an impact on protein function (Bouwman_2020). These results showed no damaging effect of this variant on ability to complement BRCA1-deficient mouse embryonic stem cells in homologous recombination DNA repair (HRR) using cisplatin and olaparib sensitivity assays and a direct GFP HRR assay. The HDR assay qualifies as a standardized gold-standard assay on the basis of the updated guidance provided by the ClinGen Sequence Variant Interpretation (SVI) Working Group (Brnich_2019). ClinGen SVI now recognizes benign functional evidence as sufficient for likely benign (Tavtigian_2018). The following publications have been ascertained in the context of this evaluation (PMID: 32772980, 32546644). ClinVar contains an entry for this variant (Variation ID: 37582). Based on the evidence outlined above, the variant was classified as likely benign.

Ambry Genetics
Classification: Uncertain significance for Hereditary cancer-predisposing syndrome. Last evaluated: 2024-09-16. Review status: criteria provided, single submitter. Criteria: Ambry Variant Classification Scheme 2023. Collection method: clinical testing. Allele origin: germline.
Comment: The p.E143D variant (also known as c.429A>C), located in coding exon 5 of the BRCA1 gene, results from an A to C substitution at nucleotide position 429. The glutamic acid at codon 143 is replaced by aspartic acid, an amino acid with highly similar properties. This alteration was detected in a Polish/Ukranian breast cancer cohort (Nguyen-Dumont T et al. Genet Res (Camb), 2020 Aug;102:e6). This amino acid position is not well conserved in available vertebrate species. In addition, the in silico prediction for this alteration is inconclusive. Based on the available evidence, the clinical significance of this variant remains unclear.

Quest Diagnostics Nichols Institute San Juan Capistrano
Classification: Uncertain significance. Last evaluated: 2024-08-14. Review status: criteria provided, single submitter. Criteria: Quest Diagnostics criteria. Collection method: clinical testing. Allele origin: unknown.
Comment: The BRCA1 c.429A>C (p.Glu143Asp) variant has been reported in the published literature in individuals affected with breast cancer (PMIDs: 33471991 (2021), 32772980 (2020), see also LOVD). Functional studies indicate that this variant does not have an impact on the function of the BRCA1 protein (PMID: 32546644 (2020)). The frequency of this variant in the general population, 0.00014 (3/21614 chromosomes (Genome Aggregation Database)), is uninformative in the assessment of its pathogenicity. Analysis of this variant using bioinformatics tools for the prediction of the effect of amino acid changes on protein structure and function yielded predictions that this variant is benign. Based on the available information, we are unable to determine the clinical significance of this variant.

All of Us Research Program, National Institutes of Health
Classification: Uncertain significance for Breast-ovarian cancer, familial, susceptibility to, 1. Last evaluated: 2023-12-07. Review status: criteria provided, single submitter. Criteria: ACMG Guidelines, 2015. Collection method: clinical testing. Allele origin: germline. Inheritance: Autosomal dominant inheritance. Observed: 3 variant alleles, 3 heterozygotes.
Comment: This missense variant replaces glutamic acid with aspartic acid at codon 143 of the BRCA1 protein. Computational prediction is inconclusive regarding the impact of this variant on protein structure and function (internally defined REVEL score threshold 0.5 < inconclusive < 0.7, PMID: 27666373). To our knowledge, functional studies have not been reported for this variant. This variant has been reported in an individual affected with breast cancer (PMID: 32772980) and in a breast cancer case-control meta-analysis in 2/60466 cases and 0/53461 unaffected individuals (PMID: 33471991; Leiden Open Variation Database DB-ID BRCA1_001290). A multifactorial analysis has reported likelihood ratio for pathogenicity based on tumor pathology of 1.36 (PMID: 31131967). This variant has been identified in 5/251074 chromosomes in the general population by the Genome Aggregation Database (gnomAD). The available evidence is insufficient to determine the role of this variant in disease conclusively. Therefore, this variant is classified as a Variant of Uncertain Significance.

This study involves interpretation of variants in research participants for the purpose of population health screening. Participant phenotype was not available at the time of variant classification. Additional details can be found in publication PMID: 35346344, PMCID: PMC8962531

GeneDx
Classification: Uncertain significance. Last evaluated: 2019-06-14. Review status: criteria provided, single submitter. Criteria: GeneDx Variant Classification Process June 2021. Collection method: clinical testing. Allele origin: germline. Affected: yes.
Comment: Not observed at a significant frequency in large population cohorts (Lek et al., 2016); In silico analysis, which includes protein predictors and evolutionary conservation, supports that this variant does not alter protein structure/function; This variant is associated with the following publications: (PMID: 21520333, 22505045, 29858219)

Sharing Clinical Reports Project (SCRP)
Classification: Uncertain significance for Breast-ovarian cancer, familial 1. Last evaluated: 2008-07-31. Review status: no assertion criteria provided. Collection method: clinical testing. Allele origin: germline. Not counted in ClinVar's aggregate classification.

Literature cited by the submitters: PubMed 32772980 (cited by 6 submitters); PubMed 32546644 (cited by 3 submitters); PubMed 31131967 (cited by 3 submitters); PubMed 33471991 (cited by 3 submitters).

NM_007294.4(BRCA1):c.429A>C (p.Glu143Asp)

Gene: BRCA1 (BRCA1 DNA repair associated; minus strand). Cytogenetic location: 17q21.31.
Variant type: single nucleotide variant.
Coding change: c.429A>C on transcript NM_007294.4 (MANE Select); coding-DNA position 429, A replaced by C.
Protein change: p.Glu143Asp; replaces glutamic acid 143 with aspartic acid.
Molecular consequence: missense variant. On other transcripts: non-coding transcript variant (1).
Genome position (GRCh38, 1-based): chr17:43,104,134, T>G on the plus strand (A>C on the coding strand, the complement: BRCA1 is on the minus strand). VCF-style: chr17-43104134-T-G. GRCh37 (hg19) VCF-style: chr17-41256151-T-G.
Other names: 548A>C; c.351A>C, p.Glu117Asp (NM_001408411.1, NM_001408412.1, NM_001408413.1 and 21 more transcripts); c.429A>C, p.Glu143Asp (NM_001408418.1, NM_001408419.1, NM_001408420.1 and 165 more transcripts); c.297A>C, p.Glu99Asp (NM_001408451.1); c.288A>C, p.Glu96Asp (NM_001408452.1, NM_001408453.1, NM_001408454.1 and 99 more transcripts); c.219A>C, p.Glu73Asp (NM_001408478.1, NM_001408479.1, NM_001408480.1 and 58 more transcripts); c.48A>C, p.Glu16Asp (NM_001408510.1, NM_001408512.1, NM_001407959.1 and 4 more transcripts); c.420A>C, p.Glu140Asp (NM_001407646.1, NM_001407647.1, NM_001408408.1); short protein forms E143D, E96D, E117D, E16D, E99D, E140D, E73D.
Identifiers: ClinVar variation 37582 (VCV000037582.35), dbSNP rs397507228, ClinGen allele CA002755.